The following is an entry in ClinVar:

NM_006796.3(AFG3L2):c.753-1G>C

Gene: AFG3L2 (AFG3 like matrix AAA peptidase subunit 2; minus strand). Cytogenetic location: 18p11.21.
Variant type: single nucleotide variant.
Coding change: c.753-1G>C on transcript NM_006796.3 (MANE Select); the canonical splice acceptor site of the intron before coding-DNA position 753, G replaced by C.
Molecular consequence: splice acceptor variant.
Genome position (GRCh38, 1-based): chr18:12,358,944, C>G on the plus strand (G>C on the coding strand, the complement: AFG3L2 is on the minus strand). VCF-style: chr18-12358944-C-G. GRCh37 (hg19) VCF-style: chr18-12358943-C-G.
Identifiers: ClinVar variation 3239393 (VCV003239393.19), dbSNP rs2510230443.

ClinVar aggregate classification (germline): Pathogenic (1 of 4 stars; one submission).

Submission:

CeGaT Center for Human Genetics Tuebingen
Classification: Pathogenic. Last evaluated: 2024-05-01. Review status: criteria provided, single submitter. Criteria: CeGaT Center For Human Genetics Tuebingen Variant Classification Criteria Version 2. Collection method: clinical testing. Allele origin: germline. Affected: yes. Observed: 1 variant allele.
Comment: AFG3L2: PVS1, PM2